The following is an entry in ClinVar:

ClinVar aggregate classification (germline): Pathogenic (1 of 4 stars; one submission).

Conditions:
Deficiency of acetyl-CoA acetyltransferase. Also called: 3-KETOTHIOLASE DEFICIENCY; 3-OXOTHIOLASE DEFICIENCY; Beta-ketothiolase deficiency; MITOCHONDRIAL ACETOACETYL-CoA THIOLASE DEFICIENCY. Identifiers: Orphanet 134, MedGen C1536500, MONDO:0008760, OMIM 203750. Disease mechanism: loss of function.

Submission:

Natera, Inc.
Classification: Pathogenic for Alpha-methylacetoacetic aciduria. Last evaluated: 2024-08-05. Review status: criteria provided, single submitter. Criteria: Natera Variant Classification Schema (03/2026). Collection method: clinical testing. Allele origin: germline.
Comment: The c.826+1G>A variant in ACAT1 is a canonical splice donor site variant predicted to affect pre-mRNA splicing, which may result in an abnormal transcript and altered protein product. This variant is expected to result in nonsense mediated decay, truncation, or a dysfunctional protein product. This variant is rare in the general population with a frequency below the threshold expected for the associated phenotype(s). Another variant at this same site results in an alteration predicted to cause a similar molecular effect has been observed in individual(s) with the associated phenotype. Given the available evidence, this variant is classified as Pathogenic.

NM_000019.4(ACAT1):c.826+1G>A

Gene: ACAT1 (acetyl-CoA acetyltransferase 1; plus strand). Cytogenetic location: 11q22.3.
Variant type: single nucleotide variant.
Coding change: c.826+1G>A on transcript NM_000019.4 (MANE Select); the canonical splice donor site of the intron after coding-DNA position 826, G replaced by A.
Molecular consequence: splice donor variant.
Genome position (GRCh38, 1-based): chr11:108,141,701, G>A. VCF-style: chr11-108141701-G-A. GRCh37 (hg19) VCF-style: chr11-108012428-G-A.
Other names: c.556+1G>A (NM_001386682.1, NM_001386681.1, NM_001386685.1 and 6 more transcripts); c.826+1G>A (NM_001386677.1); c.529+1G>A (NM_001386679.1); c.511+1G>A (NM_001386678.1).
Identifiers: ClinVar variation 4817597 (VCV004817597.1).